The following is an entry in ClinVar:

NM_005245.4(FAT1):c.3503C>T (p.Ser1168Leu)

Gene: FAT1 (FAT atypical cadherin 1; minus strand). Cytogenetic location: 4q35.2.
Variant type: single nucleotide variant.
Coding change: c.3503C>T on transcript NM_005245.4 (MANE Select); coding-DNA position 3503, C replaced by T.
Protein change: p.Ser1168Leu; replaces serine 1168 with leucine.
Molecular consequence: missense variant.
Genome position (GRCh38, 1-based): chr4:186,663,376, G>A on the plus strand (C>T on the coding strand, the complement: FAT1 is on the minus strand). VCF-style: chr4-186663376-G-A. GRCh37 (hg19) VCF-style: chr4-187584530-G-A.
Other names: short protein forms S1168L.
Identifiers: ClinVar variation 710589 (VCV000710589.36), dbSNP rs200633985, ClinGen allele CA3167007.

ClinVar aggregate classification (germline): Benign/Likely benign. Review status: criteria provided, multiple submitters, no conflicts (2 of 4 stars). 6 submissions from 6 submitters: Benign (2); Likely benign (2). 2 of the submissions do not count toward it. Last evaluated 2026-01-22.

Conditions:
FAT1-related disorder. Also called: FAT1-related condition.

Allele frequency attached by ClinVar (database versions not stated): 1000 Genomes Project 0.00060; 1000 Genomes Project 30x 0.00062; TOPMed 0.00288; gnomAD 0.00354 and 0.00375; ESP Exome Variant Server 0.00378; gnomAD exomes 0.00385 and 0.00501; ExAC 0.00409.
gnomAD v4.1: 7,799 of 1,613,914 alleles (0.48%); highest among the groups gnomAD compares: Non-Finnish European, 0.57%; 27 homozygotes.

Submissions (6):

Labcorp Genetics (formerly Invitae), Labcorp
Classification: Benign. Last evaluated: 2026-01-22. Review status: criteria provided, single submitter. Criteria: Invitae Variant Classification Sherloc (09022015). Collection method: clinical testing. Allele origin: germline.

CeGaT Center for Human Genetics Tuebingen
Classification: Likely benign. Last evaluated: 2025-03-01. Review status: criteria provided, single submitter. Criteria: CeGaT Center For Human Genetics Tuebingen Variant Classification Criteria Version 2. Collection method: clinical testing. Allele origin: germline. Affected: yes. Observed: 6 variant alleles.
Comment: FAT1: BP4, BS2

GeneDx
Classification: Likely benign. Last evaluated: 2020-02-26. Review status: criteria provided, single submitter. Criteria: GeneDx Variant Classification Process June 2021. Collection method: clinical testing. Allele origin: germline. Affected: yes.
Comment: See Variant Classification Assertion Criteria.

Breakthrough Genomics
Classification: Benign. Review status: criteria provided, single submitter. Criteria: ACMG Guidelines, 2015. Collection method: not provided. Allele origin: germline. Inheritance: Unknown mechanism. Affected: yes.

PreventionGenetics, part of Exact Sciences
Classification: Benign for FAT1-related condition. Last evaluated: 2023-03-22. Review status: no assertion criteria provided. Collection method: clinical testing. Allele origin: germline. Not counted in ClinVar's aggregate classification.
Comment: This variant is classified as benign based on ACMG/AMP sequence variant interpretation guidelines (Richards et al. 2015 PMID: 25741868, with internal and published modifications).

Department of Pathology and Laboratory Medicine, Sinai Health System
Classification: Benign. Review status: no assertion criteria provided. Collection method: clinical testing. Allele origin: unknown. Affected: yes. Study: The Canadian Open Genetics Repository (COGR). Not counted in ClinVar's aggregate classification.
Comment: The FAT1 p.Ser1168Leu variant was not identified in the literature nor was it identified in ClinVar. The variant was identified in dbSNP (ID: rs200633985), Cosmic (confirmed somatically in endometrium carcinoma, haematopoietic and lymphoid tissue, and lung carcinoma with a FATHMM prediction score of 0.98, pathogenic), and LOVD 3.0 (likely benign). The variant was identified in control databases in 1115 of total chromosomes (6 homozygous) at a frequency of 0.003978 increasing the likelihood this could be a low frequency benign variant (Genome Aggregation Database Feb 27, 2017). The variant was observed in the following populations: European (Finnish) in 228 of 25022 chromosomes (freq: 0.009112), European (non-Finnish) in 785 of 128092 chromosomes (freq: 0.006128), Other in 33 of 7130 chromosomes (freq: 0.004628), Latino in 27 of 35370 chromosomes (freq: 0.000763), African in 17 of 24196 chromosomes (freq: 0.000703), South Asian in 20 of 30600 chromosomes (freq: 0.000654), Ashkenazi Jewish in 5 of 10346 chromosomes (freq: 0.000483); the variant was not observed in the East Asian population. The variant occurs outside of the splicing consensus sequence and in silico or computational prediction software programs (SpliceSiteFinder, MaxEntScan, NNSPLICE, GeneSplicer) do not predict a difference in splicing. The p.Ser1168 residue is not conserved in mammals and computational analyses (PolyPhen-2, SIFT, AlignGVGD, BLOSUM, MutationTaster) provide inconsistent predictions regarding the impact to the protein; this information is not very predictive of pathogenicity. In summary, based on the above information this variant meets our laboratory's criteria to be classified as benign.